The following is an entry in ClinVar:

NM_032638.5(GATA2):c.514G>A (p.Gly172Ser)

Gene: GATA2 (GATA binding protein 2; minus strand). Cytogenetic location: 3q21.3.
Variant type: single nucleotide variant.
Coding change: c.514G>A on transcript NM_032638.5 (MANE Select); coding-DNA position 514, G replaced by A.
Protein change: p.Gly172Ser; replaces glycine 172 with serine.
Molecular consequence: missense variant.
Genome position (GRCh38, 1-based): chr3:128,486,084, C>T on the plus strand (G>A on the coding strand, the complement: GATA2 is on the minus strand). VCF-style: chr3-128486084-C-T. GRCh37 (hg19) VCF-style: chr3-128204927-C-T.
Other names: c.514G>A, p.Gly172Ser (NM_001145661.2, NM_001145662.1); short protein forms G172S.
Identifiers: ClinVar variation 4028497 (VCV004028497.3).

ClinVar aggregate classification (germline): Uncertain significance. Review status: criteria provided, multiple submitters, no conflicts (2 of 4 stars). 2 submissions from 2 submitters: Uncertain significance (2). Last evaluated 2025-09-03.

Conditions:
Monocytopenia with susceptibility to infections. Also called: MONOCYTOPENIA AND MYCOBACTERIAL INFECTION SYNDROME; MONOCYTOPENIA WITH SUSCEPTIBILITY TO MYCOBACTERIAL, FUNGAL, AND PAPILLOMAVIRUS INFECTIONS AND MYELODYSPLASIA; COMBINED IMMUNODEFICIENCY WITH SUSCEPTIBILITY TO MYCOBACTERIAL, VIRAL, AND FUNGAL INFECTIONS; Dendritic cell, monocyte, B lymphocyte, and natural killer lymphocyte deficiency; IMMUNODEFICIENCY 21; GATA2 DEFICIENCY. Identifiers: Orphanet 228423, MedGen C3280030, MONDO:0013607, OMIM 614172.
Deafness-lymphedema-leukemia syndrome. Also called: Lymphedema, primary, with myelodysplasia; Emberger syndrome. Identifiers: Orphanet 3226, MedGen C3279664, MONDO:0013540, OMIM 614038.
Inborn genetic diseases. Identifiers: MedGen C0950123, MeSH D030342.

Submissions (2):

Ambry Genetics
Classification: Uncertain significance for Inborn genetic diseases. Last evaluated: 2025-09-03. Review status: criteria provided, single submitter. Criteria: Ambry Variant Classification Scheme 2023. Collection method: clinical testing. Allele origin: germline.
Comment: The p.G172S variant (also known as c.514G>A), located in coding exon 2 of the GATA2 gene, results from a G to A substitution at nucleotide position 514. The glycine at codon 172 is replaced by serine, an amino acid with similar properties. This amino acid position is not well conserved in available vertebrate species. In silico splice site analysis predicts that this alteration will result in the creation or strengthening of a novel splice acceptor site; however, direct evidence is insufficient at this time (Ambry internal data). In addition, this alteration is predicted to be tolerated by in silico analysis. Based on the available evidence, the clinical significance of this variant remains unclear.

Labcorp Genetics (formerly Invitae), Labcorp
Classification: Uncertain significance for Monocytopenia with susceptibility to infections; Deafness-lymphedema-leukemia syndrome. Last evaluated: 2025-07-29. Review status: criteria provided, single submitter. Criteria: Invitae Variant Classification Sherloc (09022015). Collection method: clinical testing. Allele origin: germline.
Comment: This sequence change replaces glycine, which is neutral and non-polar, with serine, which is neutral and polar, at codon 172 of the GATA2 protein (p.Gly172Ser). This variant is not present in population databases (gnomAD no frequency). This variant has not been reported in the literature in individuals affected with GATA2-related conditions. ClinVar contains an entry for this variant (Variation ID: 4028497). Invitae Evidence Modeling of protein sequence and biophysical properties (such as structural, functional, and spatial information, amino acid conservation, physicochemical variation, residue mobility, and thermodynamic stability) indicates that this missense variant is not expected to disrupt GATA2 protein function with a negative predictive value of 95%. Algorithms developed to predict the effect of sequence changes on RNA splicing suggest that this variant may create or strengthen a splice site. In summary, the available evidence is currently insufficient to determine the role of this variant in disease. Therefore, it has been classified as a Variant of Uncertain Significance.